The following is an entry in ClinVar:

NM_031220.4(PITPNM3):c.2911G>A (p.Glu971Lys)

Genes: PITPNM3 (PITPNM family member 3; minus strand), LOC130060086 (ATAC-STARR-seq lymphoblastoid silent region 8076; plus strand). Cytogenetic location: 17p13.2.
Variant type: single nucleotide variant.
Coding change: c.2911G>A on transcript NM_031220.4 (MANE Select); coding-DNA position 2911, G replaced by A.
Protein change: p.Glu971Lys; replaces glutamic acid 971 with lysine.
Molecular consequence: missense variant.
Genome position (GRCh38, 1-based): chr17:6,455,352, C>T on the plus strand (G>A on the coding strand, the complement: PITPNM3 is on the minus strand). VCF-style: chr17-6455352-C-T. GRCh37 (hg19) VCF-style: chr17-6358672-C-T.
Other names: c.2803G>A, p.Glu935Lys (NM_001165966.2); short protein forms E935K, E971K.
Identifiers: ClinVar variation 4713308 (VCV004713308.2).
Genomic context (GRCh38, chr17:6,455,352, plus strand): 5'-AGCCTGATTGGGCCCCCCGCTCCCTGCTCTGAGCACAGCCCACCCCTCAGGGCACCGACT[C>T]GAACTTGGGGGGCCCACGCGCCCAGCTGAGCGCCGGCAGCGGCCGCTCGTGGTCTTTGTC-3'
Protein context (NP_112497.2, residues 961-974): LSWARGPPKF[Glu971Lys]SVP

ClinVar aggregate classification (germline): Uncertain significance. Review status: criteria provided, multiple submitters, no conflicts (2 of 4 stars). 2 submissions from 2 submitters: Uncertain significance (2). Last evaluated 2025-02-17.

Submissions (2):

Labcorp Genetics (formerly Invitae), Labcorp
Classification: Uncertain significance. Last evaluated: 2025-02-17. Review status: criteria provided, single submitter. Criteria: Invitae Variant Classification Sherloc (09022015). Collection method: clinical testing. Allele origin: germline.
Comment: This sequence change replaces glutamic acid, which is acidic and polar, with lysine, which is basic and polar, at codon 971 of the PITPNM3 protein (p.Glu971Lys). This variant is not present in population databases (gnomAD no frequency). This variant has not been reported in the literature in individuals affected with PITPNM3-related conditions. An algorithm developed to predict the effect of missense changes on protein structure and function (PolyPhen-2) suggests that this variant is likely to be tolerated. Algorithms developed to predict the effect of sequence changes on RNA splicing suggest that this variant may create or strengthen a splice site. In summary, the available evidence is currently insufficient to determine the role of this variant in disease. Therefore, it has been classified as a Variant of Uncertain Significance.

Blueprint Genetics
Classification: Uncertain significance. Last evaluated: 2021-11-22. Review status: criteria provided, single submitter. Criteria: ACMG Guidelines, 2015. Collection method: clinical testing. Allele origin: germline.